The following is an entry in ClinVar:

NM_004082.5(DCTN1):c.3111G>A (p.Leu1037=)

Gene: DCTN1 (dynactin subunit 1; minus strand). Cytogenetic location: 2p13.1.
Variant type: single nucleotide variant.
Coding change: c.3111G>A on transcript NM_004082.5 (MANE Select); coding-DNA position 3111, G replaced by A.
Protein change: p.Leu1037=; no amino-acid change (leucine 1037 retained).
Molecular consequence: synonymous variant. On other transcripts: non-coding transcript variant (1).
Genome position (GRCh38, 1-based): chr2:74,365,160, C>T on the plus strand (G>A on the coding strand, the complement: DCTN1 is on the minus strand). VCF-style: chr2-74365160-C-T. GRCh37 (hg19) VCF-style: chr2-74592287-C-T.
Other names: c.3051G>A, p.Leu1017= (NM_001135040.3); c.2709G>A, p.Leu903= (NM_001135041.3, NM_023019.4); c.3000G>A, p.Leu1000= (NM_001190836.2); c.3090G>A, p.Leu1030= (NM_001190837.2); c.3060G>A, p.Leu1020= (NM_001378991.1); c.3042G>A, p.Leu1014= (NM_001378992.1).
Identifiers: ClinVar variation 3040528 (VCV003040528.4), dbSNP rs763694901, ClinGen allele CA1721626.

ClinVar aggregate classification (germline): Likely benign. Review status: criteria provided, single submitter (1 of 4 stars). 2 submissions from 2 submitters: Likely benign (1). 1 of the submissions does not count toward it. Last evaluated 2024-04-09.

Conditions:
DCTN1-related disorder. Also called: DCTN1-related condition.
Perry syndrome. Also called: PARKINSONISM WITH ALVEOLAR HYPOVENTILATION AND MENTAL DEPRESSION. Identifiers: Orphanet 178509, MedGen C1868594, MONDO:0008201, OMIM 168605.
Amyotrophic lateral sclerosis type 1 (ALS1). Also called: AMYOTROPHIC LATERAL SCLEROSIS 1, FAMILIAL. Identifiers: Orphanet 803, MedGen C1862939, MONDO:0007103, OMIM 105400.
Neuronopathy, distal hereditary motor, type 7B. Also called: Distal Hereditary Motor Neuronopathy Type 7B (dHMN7B); NEURONOPATHY, DISTAL HEREDITARY MOTOR, AUTOSOMAL DOMINANT 14; NEURONOPATHY, DISTAL HEREDITARY MOTOR, HARDING TYPE VIIB; NEUROPATHY, DISTAL HEREDITARY MOTOR, HARDING TYPE VIIB; NEUROPATHY, DISTAL HEREDITARY MOTOR, WITH VOCAL CORD PARALYSIS, HARDING TYPE VIIB; HMN VIIB. Identifiers: Orphanet 139589, MedGen C1843315, MONDO:0011879, OMIM 607641.

Allele frequency attached by ClinVar (database versions not stated): TOPMed below 0.00001; ExAC 0.00001.

Submissions (2):

Labcorp Genetics (formerly Invitae), Labcorp
Classification: Likely benign for Amyotrophic lateral sclerosis type 1; Neuronopathy, distal hereditary motor, type 7B; Perry syndrome. Last evaluated: 2024-04-09. Review status: criteria provided, single submitter. Criteria: Invitae Variant Classification Sherloc (09022015). Collection method: clinical testing. Allele origin: germline.

PreventionGenetics, part of Exact Sciences
Classification: Likely benign for DCTN1-related condition. Last evaluated: 2019-09-23. Review status: no assertion criteria provided. Collection method: clinical testing. Allele origin: germline. Not counted in ClinVar's aggregate classification.
Comment: This variant is classified as likely benign based on ACMG/AMP sequence variant interpretation guidelines (Richards et al. 2015 PMID: 25741868, with internal and published modifications).